The following is an entry in ClinVar:

NM_004370.6(COL12A1):c.6910C>T (p.Pro2304Ser)

Gene: COL12A1 (collagen type XII alpha 1 chain; minus strand). Cytogenetic location: 6q13.
Variant type: single nucleotide variant.
Coding change: c.6910C>T on transcript NM_004370.6 (MANE Select); coding-DNA position 6910, C replaced by T.
Protein change: p.Pro2304Ser; replaces proline 2304 with serine.
Molecular consequence: missense variant.
Genome position (GRCh38, 1-based): chr6:75,123,366, G>A on the plus strand (C>T on the coding strand, the complement: COL12A1 is on the minus strand). VCF-style: chr6-75123366-G-A. GRCh37 (hg19) VCF-style: chr6-75833082-G-A.
Other names: c.3418C>T, p.Pro1140Ser (NM_080645.3); short protein forms P1140S, P2304S.
Identifiers: ClinVar variation 1496839 (VCV001496839.6), dbSNP rs747966606, ClinGen allele CA140981554.

ClinVar aggregate classification (germline): Uncertain significance (1 of 4 stars; one submission).

Conditions:
Ullrich congenital muscular dystrophy 2 (UCMD2). Identifiers: Orphanet 75840, MedGen C4225314, MONDO:0014654, OMIM 616470.
Bethlem myopathy 2 (BTHLM2). Identifiers: Orphanet 536516, Orphanet 610, MedGen C4225313, MONDO:0034022, OMIM 616471.

Allele frequency attached by ClinVar (database versions not stated): gnomAD 0.00003 and 0.00004.
gnomAD v4.1: 29 of 1,605,388 alleles (0.0018%); highest among the groups gnomAD compares: Non-Finnish European, 0.0011%; no homozygotes.

Submission:

Labcorp Genetics (formerly Invitae), Labcorp
Classification: Uncertain significance for Bethlem myopathy 2; Ullrich congenital muscular dystrophy 2. Last evaluated: 2025-05-05. Review status: criteria provided, single submitter. Criteria: Invitae Variant Classification Sherloc (09022015). Collection method: clinical testing. Allele origin: germline.
Comment: This sequence change replaces proline, which is neutral and non-polar, with serine, which is neutral and polar, at codon 2304 of the COL12A1 protein (p.Pro2304Ser). This variant is present in population databases (rs747966606, gnomAD 0.02%). This missense change has been observed in individual(s) with clinical features of COL12A1-related conditions (internal data). ClinVar contains an entry for this variant (Variation ID: 1496839). Invitae Evidence Modeling of protein sequence and biophysical properties (such as structural, functional, and spatial information, amino acid conservation, physicochemical variation, residue mobility, and thermodynamic stability) has been performed for this missense variant. However, the output from this modeling did not meet the statistical confidence thresholds required to predict the impact of this variant on COL12A1 protein function. In summary, the available evidence is currently insufficient to determine the role of this variant in disease. Therefore, it has been classified as a Variant of Uncertain Significance.